The following is an entry in ClinVar:

NM_003247.5(THBS2):c.694+10T>A

Gene: THBS2 (thrombospondin 2; minus strand). Cytogenetic location: 6q27.
Variant type: single nucleotide variant.
Coding change: c.694+10T>A on transcript NM_003247.5 (MANE Select); 10 bases into the intron after coding-DNA position 694, T replaced by A.
Molecular consequence: intron variant.
Genome position (GRCh38, 1-based): chr6:169,246,187, A>T on the plus strand (T>A on the coding strand, the complement: THBS2 is on the minus strand). VCF-style: chr6-169246187-A-T. GRCh37 (hg19) VCF-style: chr6-169646282-A-T.
Other names: NC_000006.11:g.169646282A>T; c.694+10T>A (NM_001381939.1, NM_001381940.1, NM_001381941.1); c.463+10T>A (NM_001381942.1).
Identifiers: ClinVar variation 778928 (VCV000778928.7), dbSNP rs76393784, ClinGen allele CA4103590.

ClinVar aggregate classification (germline): Benign. Review status: criteria provided, single submitter (1 of 4 stars). 2 submissions from 2 submitters: Benign (1). 1 of the submissions does not count toward it. Last evaluated 2019-12-31.

Conditions:
THBS2-related disorder. Also called: THBS2-related condition.

Allele frequency attached by ClinVar (database versions not stated): gnomAD exomes 0.00180 and 0.00511; ExAC 0.00643; gnomAD 0.01894 and 0.02041; 1000 Genomes Project 0.02057; TOPMed 0.02101; 1000 Genomes Project 30x 0.02202; ESP Exome Variant Server 0.02223.
gnomAD v4.1: 5,691 of 1,613,432 alleles (0.35%); highest among the groups gnomAD compares: African/African-American, 6.6%; 179 homozygotes.

Submissions (6):

Labcorp Genetics (formerly Invitae), Labcorp
Classification: Benign. Last evaluated: 2019-12-31. Review status: criteria provided, single submitter. Criteria: Invitae Variant Classification Sherloc (09022015). Collection method: clinical testing. Allele origin: germline.

PreventionGenetics, part of Exact Sciences
Classification: Benign for THBS2-related condition. Last evaluated: 2019-11-26. Review status: no assertion criteria provided. Collection method: clinical testing. Allele origin: germline. Not counted in ClinVar's aggregate classification.
Comment: This variant is classified as benign based on ACMG/AMP sequence variant interpretation guidelines (Richards et al. 2015 PMID: 25741868, with internal and published modifications).

Dr. Peter K. Rogan Lab, Western University
No classification provided (evidence only). Condition: Clear cell carcinoma of kidney. Review status: no classification provided. Collection method: in vitro. Allele origin: not applicable. Functional consequence: retained intron. Not counted in ClinVar's aggregate classification.

Dr. Peter K. Rogan Lab, Western University
No classification provided (evidence only). Condition: Lung cancer. Review status: no classification provided. Collection method: in vitro. Allele origin: not applicable. Functional consequence: retained intron. Not counted in ClinVar's aggregate classification.

Dr. Peter K. Rogan Lab, Western University
No classification provided (evidence only). Condition: Cervical cancer. Review status: no classification provided. Collection method: in vitro. Allele origin: not applicable. Functional consequence: retained intron. Not counted in ClinVar's aggregate classification.

Dr. Peter K. Rogan Lab, Western University
No classification provided (evidence only). Condition: Cervical cancer. Review status: no classification provided. Collection method: in vitro. Allele origin: not applicable. Functional consequence: retained intron. Not counted in ClinVar's aggregate classification.